The following is an entry in ClinVar:

NM_005045.4(RELN):c.359T>A (p.Phe120Tyr)

Gene: RELN (reelin; minus strand). Cytogenetic location: 7q22.1.
Variant type: single nucleotide variant.
Coding change: c.359T>A on transcript NM_005045.4 (MANE Select); coding-DNA position 359, T replaced by A.
Protein change: p.Phe120Tyr; replaces phenylalanine 120 with tyrosine.
Molecular consequence: missense variant.
Genome position (GRCh38, 1-based): chr7:103,833,651, A>T on the plus strand (T>A on the coding strand, the complement: RELN is on the minus strand). VCF-style: chr7-103833651-A-T. GRCh37 (hg19) VCF-style: chr7-103474098-A-T.
Other names: c.359T>A, p.Phe120Tyr (NM_173054.3); short protein forms F120Y.
Identifiers: ClinVar variation 4792640 (VCV004792640.1).

ClinVar aggregate classification (germline): Uncertain significance (1 of 4 stars; one submission).

Conditions:
Norman-Roberts syndrome (LIS2). Also called: Lissencephaly 2 (Norman-Roberts type). Identifiers: Orphanet 89844, MedGen C0796089, MONDO:0009760, OMIM 257320.
Familial temporal lobe epilepsy 7. Identifiers: Orphanet 101046, MedGen C4225327, MONDO:0014639, OMIM 616436.

gnomAD v4.1: 1 of 1,613,922 alleles (0.000062%); highest among the groups gnomAD compares: Middle Eastern, 0.016%; no homozygotes.

Submission:

Labcorp Genetics (formerly Invitae), Labcorp
Classification: Uncertain significance for Familial temporal lobe epilepsy 7; Norman-Roberts syndrome. Last evaluated: 2025-10-16. Review status: criteria provided, single submitter. Criteria: Invitae Variant Classification Sherloc (09022015). Collection method: clinical testing. Allele origin: germline.
Comment: This sequence change replaces phenylalanine, which is neutral and non-polar, with tyrosine, which is neutral and polar, at codon 120 of the RELN protein (p.Phe120Tyr). This variant is not present in population databases (gnomAD no frequency). This variant has not been reported in the literature in individuals affected with RELN-related conditions. Invitae Evidence Modeling of protein sequence and biophysical properties (such as structural, functional, and spatial information, amino acid conservation, physicochemical variation, residue mobility, and thermodynamic stability) indicates that this missense variant is not expected to disrupt RELN protein function with a negative predictive value of 80%. In summary, the available evidence is currently insufficient to determine the role of this variant in disease. Therefore, it has been classified as a Variant of Uncertain Significance.